The following is an entry in ClinVar:

ClinVar aggregate classification (germline): Likely benign. Review status: criteria provided, multiple submitters, no conflicts (2 of 4 stars). 4 submissions from 4 submitters: Likely benign (3). 1 of the submissions does not count toward it. Last evaluated 2026-08-01.

Conditions:
Baraitser-Winter syndrome 1 (BRWS1). Also called: BARAITSER-WINTER SYNDROME 1, ATYPICAL; PACHYGYRIA, MENTAL RETARDATION, EPILEPSY, AND CHARACTERISTIC FACIES; MENTAL RETARDATION WITH EPILEPSY AND CHARACTERISTIC FACIES; Cerebrofrontofacial syndrome. Identifiers: Orphanet 2649, Orphanet 2995, MedGen C1855722, MONDO:0009470, OMIM 243310.
ACTB-related disorder. Also called: ACTB-related condition; ACTB-related disorders.

Allele frequency attached by ClinVar (database versions not stated): gnomAD exomes 0.00001 and 0.00002; ExAC 0.00002; ESP Exome Variant Server 0.00008; TOPMed 0.00008; gnomAD 0.00009 and 0.00011; 1000 Genomes Project 0.00060; 1000 Genomes Project 30x 0.00062.
gnomAD v4.1: 28 of 1,614,062 alleles (0.0017%); highest among the groups gnomAD compares: African/African-American, 0.031%; no homozygotes.

Submissions (4):

CeGaT Center for Human Genetics Tuebingen
Classification: Likely benign. Last evaluated: 2026-08-01. Review status: criteria provided, single submitter. Criteria: CeGaT Center For Human Genetics Tuebingen Variant Classification Criteria Version 2. Collection method: clinical testing. Allele origin: germline. Affected: yes. Observed: 1 variant allele.
Comment: ACTB: BP4

Labcorp Genetics (formerly Invitae), Labcorp
Classification: Likely benign for Baraitser-Winter syndrome 1. Last evaluated: 2025-12-09. Review status: criteria provided, single submitter. Criteria: Invitae Variant Classification Sherloc (09022015). Collection method: clinical testing. Allele origin: germline.

GeneDx
Classification: Likely benign. Last evaluated: 2017-05-15. Review status: criteria provided, single submitter. Criteria: GeneDx Variant Classification (06012015). Collection method: clinical testing. Allele origin: germline. Affected: yes.
Comment: This variant is considered likely benign or benign based on one or more of the following criteria: it is a conservative change, it occurs at a poorly conserved position in the protein, it is predicted to be benign by multiple in silico algorithms, and/or has population frequency not consistent with disease.

PreventionGenetics, part of Exact Sciences
Classification: Likely benign for ACTB-related condition. Last evaluated: 2024-01-16. Review status: no assertion criteria provided. Collection method: clinical testing. Allele origin: germline. Not counted in ClinVar's aggregate classification.
Comment: This variant is classified as likely benign based on ACMG/AMP sequence variant interpretation guidelines (Richards et al. 2015 PMID: 25741868, with internal and published modifications).

NM_001101.5(ACTB):c.280C>T (p.Leu94=)

Gene: ACTB (actin beta; minus strand). Cytogenetic location: 7p22.1.
Variant type: single nucleotide variant.
Coding change: c.280C>T on transcript NM_001101.5 (MANE Select); coding-DNA position 280, C replaced by T.
Protein change: p.Leu94=; no amino-acid change (leucine 94 retained).
Molecular consequence: synonymous variant.
Genome position (GRCh38, 1-based): chr7:5,529,244, G>A on the plus strand (C>T on the coding strand, the complement: ACTB is on the minus strand). VCF-style: chr7-5529244-G-A. GRCh37 (hg19) VCF-style: chr7-5568875-G-A.
Other names: c.280C>T (LRG_132t1).
Identifiers: ClinVar variation 388655 (VCV000388655.9), dbSNP rs145281194, ClinGen allele CA4147116.
Genomic context (GRCh38, chr7:5,529,244, plus strand): 5'-CCTTGGGGTTCAGGGGGGCCTCGGTCAGCAGCACGGGGTGCTCCTCGGGAGCCACACGCA[G>A]CTCATTGTAGAAGGTGTGGTGCCAGATTTTCTCCATGTCGTCCCAGTTGGTGACGATGCC-3'
Protein context (NP_001092.1, residues 84-104): KIWHHTFYNE[Leu94=]RVAPEEHPVL